The following is an entry in ClinVar:

ClinVar aggregate classification (germline): Uncertain significance (1 of 4 stars; one submission).

Submission:

Labcorp Genetics (formerly Invitae), Labcorp
Classification: Uncertain significance. Last evaluated: 2023-12-02. Review status: criteria provided, single submitter. Criteria: Invitae Variant Classification Sherloc (09022015). Collection method: clinical testing. Allele origin: germline.
Comment: This sequence change falls in intron 5 of the RUNX2 gene. It does not directly change the encoded amino acid sequence of the RUNX2 protein. It affects a nucleotide within the consensus splice site. This variant is not present in population databases (gnomAD no frequency). This variant has not been reported in the literature in individuals affected with RUNX2-related conditions. Variants that disrupt the consensus splice site are a relatively common cause of aberrant splicing (PMID: 17576681, 9536098). Algorithms developed to predict the effect of sequence changes on RNA splicing suggest that this variant may disrupt the consensus splice site. This variant disrupts the c.685+5G nucleotide in the RUNX2 gene. Other variant(s) that disrupt this nucleotide have been determined to be pathogenic (PMID: 33987976; Invitae). This suggests that this nucleotide is clinically significant, and that variants that disrupt this position are likely to be disease-causing. In summary, the available evidence is currently insufficient to determine the role of this variant in disease. Therefore, it has been classified as a Variant of Uncertain Significance.

Literature cited by the submitters: PubMed 17576681; PubMed 9536098; PubMed 33987976.

NM_001024630.4(RUNX2):c.685+5G>C

Gene: RUNX2 (RUNX family transcription factor 2; plus strand). Cytogenetic location: 6p21.1.
Variant type: single nucleotide variant.
Coding change: c.685+5G>C on transcript NM_001024630.4 (MANE Select); 5 bases into the intron after coding-DNA position 685, G replaced by C.
Molecular consequence: intron variant.
Genome position (GRCh38, 1-based): chr6:45,438,056, G>C. VCF-style: chr6-45438056-G-C. GRCh37 (hg19) VCF-style: chr6-45405793-G-C.
Other names: c.685+5G>C (NM_001015051.4); c.643+5G>C (NM_001369405.1, NM_001278478.2).
Identifiers: ClinVar variation 2700424 (VCV002700424.3), dbSNP rs1798738030, ClinGen allele CA2697553391.